The following is an entry in ClinVar:

ClinVar aggregate classification (germline): Uncertain significance (1 of 4 stars; one submission).

Submission:

GeneDx
Classification: Uncertain significance. Last evaluated: 2024-11-08. Review status: criteria provided, single submitter. Criteria: GeneDx Variant Classification Process June 2021. Collection method: clinical testing. Allele origin: germline. Affected: yes.
Comment: Not observed at significant frequency in large population cohorts (gnomAD); In silico analysis supports that this missense variant has a deleterious effect on protein structure/function; Has not been previously published as pathogenic or benign to our knowledge

NM_006885.4(ZFHX3):c.5425C>T (p.Leu1809Phe)

Genes: ZFHX3 (zinc finger homeobox 3; minus strand), ZFHX3-AS1 (ZFHX3 antisense RNA 1; plus strand). Cytogenetic location: 16q22.2.
Variant type: single nucleotide variant.
Coding change: c.5425C>T on transcript NM_006885.4 (MANE Select); coding-DNA position 5425, C replaced by T.
Protein change: p.Leu1809Phe; replaces leucine 1809 with phenylalanine.
Molecular consequence: missense variant.
Genome position (GRCh38, 1-based): chr16:72,797,257, G>A on the plus strand (C>T on the coding strand, the complement: ZFHX3 is on the minus strand). VCF-style: chr16-72797257-G-A. GRCh37 (hg19) VCF-style: chr16-72831156-G-A.
Other names: c.2683C>T, p.Leu895Phe (NM_001164766.2); c.5425C>T, p.Leu1809Phe (NM_001386735.1); short protein forms L1809F, L895F.
Identifiers: ClinVar variation 3898958 (VCV003898958.1).